The following is an entry in ClinVar:

NM_001377.3(DYNC2H1):c.3861A>G (p.Arg1287=)

Gene: DYNC2H1 (dynein cytoplasmic 2 heavy chain 1; plus strand). Cytogenetic location: 11q22.3.
Variant type: single nucleotide variant.
Coding change: c.3861A>G on transcript NM_001377.3 (MANE Select); coding-DNA position 3861, A replaced by G.
Protein change: p.Arg1287=; no amino-acid change (arginine 1287 retained).
Molecular consequence: synonymous variant.
Genome position (GRCh38, 1-based): chr11:103,156,504, A>G. VCF-style: chr11-103156504-A-G. GRCh37 (hg19) VCF-style: chr11-103027233-A-G.
Other names: c.3861A>G (NM_001080463.1); c.3861A>G, p.Arg1287= (NM_001080463.2).
Identifiers: ClinVar variation 2958262 (VCV002958262.4), dbSNP rs371741549, ClinGen allele CA227418558.

ClinVar aggregate classification (germline): Likely benign. Review status: criteria provided, single submitter (1 of 4 stars). 2 submissions from 2 submitters: Likely benign (1). 1 of the submissions does not count toward it. Last evaluated 2023-11-27.

Conditions:
Jeune thoracic dystrophy. Also called: Jeune syndrome; Infantile thoracic dystrophy; Thoracic pelvic phalangeal dystrophy; Jeune's syndrome; Chondroectodermal dysplasia-like syndrome; Short-rib thoracic dysplasia. Identifiers: Orphanet 474, MedGen C0265275, MONDO:0018770.
DYNC2H1-related disorder. Also called: DYNC2H1-related disorders; DYNC2H1-related condition. Identifiers: MedGen CN378770.

Allele frequency attached by ClinVar (database versions not stated): gnomAD exomes below 0.00001; gnomAD 0.00003; TOPMed 0.00006; ESP Exome Variant Server 0.00008.
gnomAD v4.1: 7 of 1,613,682 alleles (0.00043%); highest among the groups gnomAD compares: African/African-American, 0.0093%; no homozygotes.

Submissions (2):

Labcorp Genetics (formerly Invitae), Labcorp
Classification: Likely benign for Jeune thoracic dystrophy. Last evaluated: 2023-11-27. Review status: criteria provided, single submitter. Criteria: Invitae Variant Classification Sherloc (09022015). Collection method: clinical testing. Allele origin: germline.

PreventionGenetics, part of Exact Sciences
Classification: Likely benign for DYNC2H1-related condition. Last evaluated: 2019-09-17. Review status: no assertion criteria provided. Collection method: clinical testing. Allele origin: germline. Not counted in ClinVar's aggregate classification.
Comment: This variant is classified as likely benign based on ACMG/AMP sequence variant interpretation guidelines (Richards et al. 2015 PMID: 25741868, with internal and published modifications).